The following is an entry in ClinVar:

ClinVar aggregate classification (germline): Uncertain significance (1 of 4 stars; one submission).

gnomAD v4.1: 1 of 1,614,194 alleles (0.000062%); highest among the groups gnomAD compares: Non-Finnish European, 0.000085%; no homozygotes.

Submission:

Labcorp Genetics (formerly Invitae), Labcorp
Classification: Uncertain significance. Last evaluated: 2022-12-02. Review status: criteria provided, single submitter. Criteria: Invitae Variant Classification Sherloc (09022015). Collection method: clinical testing. Allele origin: germline.
Comment: In summary, the available evidence is currently insufficient to determine the role of this variant in disease. Therefore, it has been classified as a Variant of Uncertain Significance. Algorithms developed to predict the effect of missense changes on protein structure and function (SIFT, PolyPhen-2, Align-GVGD) all suggest that this variant is likely to be disruptive. This variant has not been reported in the literature in individuals affected with MESDC2-related conditions. This variant is not present in population databases (gnomAD no frequency). This sequence change replaces valine, which is neutral and non-polar, with leucine, which is neutral and non-polar, at codon 183 of the MESDC2 protein (p.Val183Leu).

NM_015154.3(MESD):c.547G>T (p.Val183Leu)

Gene: MESD (mesoderm development LRP chaperone; minus strand). Cytogenetic location: 15q25.1.
Variant type: single nucleotide variant.
Coding change: c.547G>T on transcript NM_015154.3 (MANE Select); coding-DNA position 547, G replaced by T.
Protein change: p.Val183Leu; replaces valine 183 with leucine.
Molecular consequence: missense variant. On other transcripts: non-coding transcript variant (1).
Genome position (GRCh38, 1-based): chr15:80,979,377, C>A on the plus strand (G>T on the coding strand, the complement: MESD is on the minus strand). VCF-style: chr15-80979377-C-A. GRCh37 (hg19) VCF-style: chr15-81271718-C-A.
Other names: short protein forms V183L.
Identifiers: ClinVar variation 2094242 (VCV002094242.4), dbSNP rs1481765687, ClinGen allele CA393252195.